The following is an entry in ClinVar:

ClinVar aggregate classification (germline): Uncertain significance (1 of 4 stars; one submission).

Submission:

Labcorp Genetics (formerly Invitae), Labcorp
Classification: Uncertain significance. Last evaluated: 2025-06-29. Review status: criteria provided, single submitter. Criteria: Invitae Variant Classification Sherloc (09022015). Collection method: clinical testing. Allele origin: germline.
Comment: This sequence change replaces serine, which is neutral and polar, with threonine, which is neutral and polar, at codon 1499 of the SRCAP protein (p.Ser1499Thr). This variant is not present in population databases (gnomAD no frequency). This variant has not been reported in the literature in individuals affected with SRCAP-related conditions. Invitae Evidence Modeling of protein sequence and biophysical properties (such as structural, functional, and spatial information, amino acid conservation, physicochemical variation, residue mobility, and thermodynamic stability) indicates that this missense variant is not expected to disrupt SRCAP protein function with a negative predictive value of 80%. In summary, the available evidence is currently insufficient to determine the role of this variant in disease. Therefore, it has been classified as a Variant of Uncertain Significance.

NM_006662.3(SRCAP):c.4495T>A (p.Ser1499Thr)

Gene: SRCAP (Snf2 related CREBBP activator protein; plus strand). Cytogenetic location: 16p11.2.
Variant type: single nucleotide variant.
Coding change: c.4495T>A on transcript NM_006662.3 (MANE Select); coding-DNA position 4495, T replaced by A.
Protein change: p.Ser1499Thr; replaces serine 1499 with threonine.
Molecular consequence: missense variant.
Genome position (GRCh38, 1-based): chr16:30,723,919, T>A. VCF-style: chr16-30723919-T-A. GRCh37 (hg19) VCF-style: chr16-30735240-T-A.
Other names: short protein forms S1499T.
Identifiers: ClinVar variation 4744718 (VCV004744718.1).